The following is an entry in ClinVar:

NM_032776.3(JMJD1C):c.5842A>G (p.Thr1948Ala)

Gene: JMJD1C (jumonji domain containing 1C; minus strand). Cytogenetic location: 10q21.3.
Variant type: single nucleotide variant.
Coding change: c.5842A>G on transcript NM_032776.3 (MANE Select); coding-DNA position 5842, A replaced by G.
Protein change: p.Thr1948Ala; replaces threonine 1948 with alanine.
Molecular consequence: missense variant. On other transcripts: non-coding transcript variant (1).
Genome position (GRCh38, 1-based): chr10:63,193,365, T>C on the plus strand (A>G on the coding strand, the complement: JMJD1C is on the minus strand). VCF-style: chr10-63193365-T-C. GRCh37 (hg19) VCF-style: chr10-64953125-T-C.
Other names: c.5296A>G, p.Thr1766Ala (NM_001282948.2, NM_001318154.2); c.4978A>G, p.Thr1660Ala (NM_001318153.2); c.5728A>G, p.Thr1910Ala (NM_001322252.2); c.5185A>G, p.Thr1729Ala (NM_001322254.2, NM_001322258.2); short protein forms T1660A, T1729A, T1766A, T1948A, T1910A.
Identifiers: ClinVar variation 845951 (VCV000845951.10), dbSNP rs372998437, ClinGen allele CA5518021.

ClinVar aggregate classification (germline): Uncertain significance (1 of 4 stars; one submission).

Conditions:
Early Myoclonic Encephalopathy. Identifiers: MedGen C0270855.

Allele frequency attached by ClinVar (database versions not stated): gnomAD 0.00004; TOPMed 0.00005; 1000 Genomes Project 0.00020; 1000 Genomes Project 30x 0.00016; gnomAD exomes 0.00001; ESP Exome Variant Server 0.00009; ExAC 0.00002.
gnomAD v4.1: 28 of 1,600,176 alleles (0.0017%); highest among the groups gnomAD compares: African/African-American, 0.004%; no homozygotes.

Submission:

Labcorp Genetics (formerly Invitae), Labcorp
Classification: Uncertain significance for Early Myoclonic Encephalopathy. Last evaluated: 2022-03-08. Review status: criteria provided, single submitter. Criteria: Invitae Variant Classification Sherloc (09022015). Collection method: clinical testing. Allele origin: germline.
Comment: In summary, the available evidence is currently insufficient to determine the role of this variant in disease. Therefore, it has been classified as a Variant of Uncertain Significance. Algorithms developed to predict the effect of missense changes on protein structure and function output the following: SIFT: "Tolerated"; PolyPhen-2: "Benign"; Align-GVGD: "Class C0". The alanine amino acid residue is found in multiple mammalian species, which suggests that this missense change does not adversely affect protein function. ClinVar contains an entry for this variant (Variation ID: 845951). This variant has not been reported in the literature in individuals affected with JMJD1C-related conditions. This variant is present in population databases (rs372998437, gnomAD 0.004%). This sequence change replaces threonine, which is neutral and polar, with alanine, which is neutral and non-polar, at codon 1948 of the JMJD1C protein (p.Thr1948Ala).